The following is an entry in ClinVar:

NM_152618.3(BBS12):c.999A>T (p.Gly333=)

Gene: BBS12 (Bardet-Biedl syndrome 12; plus strand). Cytogenetic location: 4q27.
Variant type: single nucleotide variant.
Coding change: c.999A>T on transcript NM_152618.3 (MANE Select); coding-DNA position 999, A replaced by T.
Protein change: p.Gly333=; no amino-acid change (glycine 333 retained).
Molecular consequence: synonymous variant.
Genome position (GRCh38, 1-based): chr4:122,742,891, A>T. VCF-style: chr4-122742891-A-T. GRCh37 (hg19) VCF-style: chr4-123664046-A-T.
Other names: c.999A>T, p.Gly333= (NM_001178007.2); c.999A>T (NM_152618.2).
Identifiers: ClinVar variation 2421086 (VCV002421086.8), dbSNP rs1334348773, ClinGen allele CA441120898.

ClinVar aggregate classification (germline): Likely benign. Review status: criteria provided, single submitter (1 of 4 stars). 2 submissions from 2 submitters: Likely benign (1). 1 of the submissions does not count toward it. Last evaluated 2023-12-03.

Conditions:
BBS12-related disorder. Also called: BBS12-related condition.
Bardet-Biedl syndrome (BBS). Identifiers: Orphanet 110, MedGen C0752166, MONDO:0015229.

Allele frequency attached by ClinVar (database versions not stated): gnomAD 0.00003; TOPMed 0.00003.

Submissions (2):

Labcorp Genetics (formerly Invitae), Labcorp
Classification: Likely benign for Bardet-Biedl syndrome. Last evaluated: 2023-12-03. Review status: criteria provided, single submitter. Criteria: Invitae Variant Classification Sherloc (09022015). Collection method: clinical testing. Allele origin: germline.

PreventionGenetics, part of Exact Sciences
Classification: Likely benign for BBS12-related condition. Last evaluated: 2022-12-31. Review status: no assertion criteria provided. Collection method: clinical testing. Allele origin: germline. Not counted in ClinVar's aggregate classification.
Comment: This variant is classified as likely benign based on ACMG/AMP sequence variant interpretation guidelines (Richards et al. 2015 PMID: 25741868, with internal and published modifications).